The following is an entry in ClinVar:

ClinVar aggregate classification (germline): Uncertain significance (1 of 4 stars; one submission).

Conditions:
Early Myoclonic Encephalopathy. Identifiers: MedGen C0270855.

Allele frequency attached by ClinVar (database versions not stated): TOPMed 0.00001.
gnomAD v4.1: 30 of 1,614,182 alleles (0.0019%); highest among the groups gnomAD compares: Non-Finnish European, 0.0025%; no homozygotes.

Submission:

Labcorp Genetics (formerly Invitae), Labcorp
Classification: Uncertain significance for Early Myoclonic Encephalopathy. Last evaluated: 2024-06-12. Review status: criteria provided, single submitter. Criteria: Invitae Variant Classification Sherloc (09022015). Collection method: clinical testing. Allele origin: germline.
Comment: This sequence change replaces valine, which is neutral and non-polar, with phenylalanine, which is neutral and non-polar, at codon 1384 of the JMJD1C protein (p.Val1384Phe). This variant is not present in population databases (gnomAD no frequency). This variant has not been reported in the literature in individuals affected with JMJD1C-related conditions. ClinVar contains an entry for this variant (Variation ID: 961759). Advanced modeling of protein sequence and biophysical properties (such as structural, functional, and spatial information, amino acid conservation, physicochemical variation, residue mobility, and thermodynamic stability) performed at Invitae indicates that this missense variant is not expected to disrupt JMJD1C protein function with a negative predictive value of 80%. In summary, the available evidence is currently insufficient to determine the role of this variant in disease. Therefore, it has been classified as a Variant of Uncertain Significance.

NM_032776.3(JMJD1C):c.4150G>T (p.Val1384Phe)

Gene: JMJD1C (jumonji domain containing 1C; minus strand). Cytogenetic location: 10q21.3.
Variant type: single nucleotide variant.
Coding change: c.4150G>T on transcript NM_032776.3 (MANE Select); coding-DNA position 4150, G replaced by T.
Protein change: p.Val1384Phe; replaces valine 1384 with phenylalanine.
Molecular consequence: missense variant. On other transcripts: non-coding transcript variant (1).
Genome position (GRCh38, 1-based): chr10:63,207,519, C>A on the plus strand (G>T on the coding strand, the complement: JMJD1C is on the minus strand). VCF-style: chr10-63207519-C-A. GRCh37 (hg19) VCF-style: chr10-64967279-C-A.
Other names: c.3604G>T, p.Val1202Phe (NM_001282948.2, NM_001318154.2); c.3286G>T, p.Val1096Phe (NM_001318153.2); c.4036G>T, p.Val1346Phe (NM_001322252.2); c.3493G>T, p.Val1165Phe (NM_001322254.2, NM_001322258.2); short protein forms V1202F, V1096F, V1384F, V1165F, V1346F.
Identifiers: ClinVar variation 961759 (VCV000961759.9), dbSNP rs754115401, ClinGen allele CA208371644.
Genomic context (GRCh38, chr10:63,207,519, plus strand): 5'-CGGCAGCAGATGTGATTACATCCGTTTTGGTATTACACATCGTATTTACAGCAGACATGA[C>A]TGAACTGGGAACACTGCCCTGTGAGACAGCCTGAAAGTTTTTTTCAGATTTTGTGTGAAC-3'
Protein context (NP_116165.1, residues 1374-1394): AVSQGSVPSS[Val1384Phe]MSAVNTMCNT